The following is an entry in ClinVar:

NM_002206.3(ITGA7):c.883G>C (p.Val295Leu)

Gene: ITGA7 (integrin subunit alpha 7; minus strand). Cytogenetic location: 12q13.2.
Variant type: single nucleotide variant.
Coding change: c.883G>C on transcript NM_002206.3 (MANE Select); coding-DNA position 883, G replaced by C.
Protein change: p.Val295Leu; replaces valine 295 with leucine.
Molecular consequence: missense variant. On other transcripts: 5 prime UTR variant (1).
Genome position (GRCh38, 1-based): chr12:55,698,825, C>G on the plus strand (G>C on the coding strand, the complement: ITGA7 is on the minus strand). VCF-style: chr12-55698825-C-G. GRCh37 (hg19) VCF-style: chr12-56092609-C-G.
Other names: c.895G>C, p.Val299Leu (NM_001144996.2, NM_001414029.1, NM_001414030.1); c.604G>C, p.Val202Leu (NM_001144997.2); c.556G>C, p.Val186Leu (NM_001367993.1); c.-410G>C (NM_001367994.1); c.883G>C, p.Val295Leu (NM_001374465.1, NM_001414031.1, NM_001414034.1); c.1015G>C, p.Val339Leu (NM_001410977.1); c.763G>C, p.Val255Leu (NM_001414032.1); c.700G>C, p.Val234Leu (NM_001414033.1); and 1 more; short protein forms V186L, V202L, V295L, V299L, V339L, V234L, V182L, V255L.
Identifiers: ClinVar variation 1011651 (VCV001011651.8), dbSNP rs781541108, ClinGen allele CA6616123.

ClinVar aggregate classification (germline): Uncertain significance. Review status: criteria provided, multiple submitters, no conflicts (2 of 4 stars). 3 submissions from 3 submitters: Uncertain significance (3). Last evaluated 2024-01-03.

Conditions:
Congenital muscular dystrophy due to integrin alpha-7 deficiency. Also called: MYOPATHY, CONGENITAL, DUE TO INTEGRIN ALPHA-7 DEFICIENCY; Congenital muscular dystrophy with integrin alpha-7 deficiency; Muscular dystrophy, congenital, due to ITGA7 deficiency. Identifiers: Orphanet 34520, MedGen C2750786, MONDO:0013177, OMIM 613204.

Allele frequency attached by ClinVar (database versions not stated): ExAC 0.00001; gnomAD 0.00001; gnomAD exomes 0.00001 and 0.00002.

Submissions (3):

Ambry Genetics
Classification: Uncertain significance. Last evaluated: 2024-01-03. Review status: criteria provided, single submitter. Criteria: Ambry Variant Classification Scheme 2023. Collection method: clinical testing. Allele origin: germline.

Labcorp Genetics (formerly Invitae), Labcorp
Classification: Uncertain significance for Congenital muscular dystrophy due to integrin alpha-7 deficiency. Last evaluated: 2022-03-18. Review status: criteria provided, single submitter. Criteria: Invitae Variant Classification Sherloc (09022015). Collection method: clinical testing. Allele origin: germline.
Comment: This sequence change replaces valine, which is neutral and non-polar, with leucine, which is neutral and non-polar, at codon 295 of the ITGA7 protein (p.Val295Leu). This variant is present in population databases (rs781541108, gnomAD 0.002%). This variant has not been reported in the literature in individuals affected with ITGA7-related conditions. ClinVar contains an entry for this variant (Variation ID: 1011651). Algorithms developed to predict the effect of missense changes on protein structure and function (SIFT, PolyPhen-2, Align-GVGD) all suggest that this variant is likely to be tolerated. In summary, the available evidence is currently insufficient to determine the role of this variant in disease. Therefore, it has been classified as a Variant of Uncertain Significance.

GeneDx
Classification: Uncertain significance. Last evaluated: 2019-03-26. Review status: criteria provided, single submitter. Criteria: GeneDx Variant Classification Process June 2021. Collection method: clinical testing. Allele origin: germline. Affected: yes.
Comment: Not observed at a significant frequency in large population cohorts (Lek et al., 2016); In silico analysis, which includes protein predictors and evolutionary conservation, supports that this variant does not alter protein structure/function; Has not been previously published as pathogenic or benign to our knowledge